The following is an entry in ClinVar:

NM_020207.7(ERCC6L2):c.2648T>A (p.Ile883Asn)

Gene: ERCC6L2 (ERCC excision repair 6 like 2; plus strand). Cytogenetic location: 9q22.32.
Variant type: single nucleotide variant.
Coding change: c.2648T>A on transcript NM_020207.7 (MANE Select); coding-DNA position 2648, T replaced by A.
Protein change: p.Ile883Asn; replaces isoleucine 883 with asparagine.
Molecular consequence: missense variant. On other transcripts: non-coding transcript variant (1).
Genome position (GRCh38, 1-based): chr9:95,972,399, T>A. VCF-style: chr9-95972399-T-A. GRCh37 (hg19) VCF-style: chr9-98734681-T-A.
Other names: c.2648T>A, p.Ile883Asn (NM_001375291.1, NM_001375292.1, NM_001375293.1 and 1 more transcripts); short protein forms I883N.
Identifiers: ClinVar variation 3617704 (VCV003617704.2).

ClinVar aggregate classification (germline): Uncertain significance (1 of 4 stars; one submission).

gnomAD v4.1: 37 of 1,273,220 alleles (0.0029%); highest among the groups gnomAD compares: African/African-American, 0.056%; no homozygotes.

Submission:

Labcorp Genetics (formerly Invitae), Labcorp
Classification: Uncertain significance. Last evaluated: 2024-06-19. Review status: criteria provided, single submitter. Criteria: Invitae Variant Classification Sherloc (09022015). Collection method: clinical testing. Allele origin: germline.
Comment: This sequence change replaces isoleucine, which is neutral and non-polar, with asparagine, which is neutral and polar, at codon 894 of the ERCC6L2 protein (p.Ile894Asn). This variant is present in population databases (rs536575211, gnomAD 0.08%). This variant has not been reported in the literature in individuals affected with ERCC6L2-related conditions. Experimental studies and prediction algorithms are not available or were not evaluated, and the functional significance of this variant is currently unknown. In summary, the available evidence is currently insufficient to determine the role of this variant in disease. Therefore, it has been classified as a Variant of Uncertain Significance.